The following is an entry in ClinVar:

ClinVar aggregate classification (germline): Uncertain significance (1 of 4 stars; one submission).

Conditions:
Hereditary cancer-predisposing syndrome. Also called: Neoplastic Syndromes, Hereditary; Tumor predisposition; Hereditary Cancer Syndrome; Hereditary neoplastic syndrome. Identifiers: Orphanet 140162, MedGen C0027672, MeSH D009386, MONDO:0015356.

gnomAD v4.1: 1 of 1,614,192 alleles (0.000062%); highest among the groups gnomAD compares: Non-Finnish European, 0.000085%; no homozygotes.

Submission:

Ambry Genetics
Classification: Uncertain significance for Hereditary cancer-predisposing syndrome. Last evaluated: 2026-04-17. Review status: criteria provided, single submitter. Criteria: Ambry Variant Classification Scheme 2023. Collection method: clinical testing. Allele origin: germline.
Comment: The p.Q105K variant (also known as c.313C>A), located in coding exon 3 of the EGFR gene, results from a C to A substitution at nucleotide position 313. The glutamine at codon 105 is replaced by lysine, an amino acid with similar properties. This amino acid position is not well conserved in available vertebrate species. In addition, the in silico prediction for this alteration is inconclusive. Based on the available evidence, the clinical significance of this variant remains unclear.

NM_005228.5(EGFR):c.313C>A (p.Gln105Lys)

Gene: EGFR (epidermal growth factor receptor; plus strand). Cytogenetic location: 7p11.2.
Variant type: single nucleotide variant.
Coding change: c.313C>A on transcript NM_005228.5 (MANE Select); coding-DNA position 313, C replaced by A.
Protein change: p.Gln105Lys; replaces glutamine 105 with lysine.
Molecular consequence: missense variant. On other transcripts: intron variant (1).
Genome position (GRCh38, 1-based): chr7:55,143,377, C>A. VCF-style: chr7-55143377-C-A. GRCh37 (hg19) VCF-style: chr7-55211070-C-A.
Other names: c.313C>A, p.Gln105Lys (NM_001346897.2, NM_001346898.2, NM_001346899.2 and 3 more transcripts); c.154C>A, p.Gln52Lys (NM_001346900.2); c.89-12453C>A (NM_001346941.2); short protein forms Q105K, Q52K.
Identifiers: ClinVar variation 4870241 (VCV004870241.1).
Genomic context (GRCh38, chr7:55,143,377, plus strand): 5'-GTGGCTGGTTATGTCCTCATTGCCCTCAACACAGTGGAGCGAATTCCTTTGGAAAACCTG[C>A]AGATCATCAGAGGAAATATGTACTACGAAAATTCCTATGCCTTAGCAGTCTTATCTAACT-3'
Protein context (NP_005219.2, residues 95-115): TVERIPLENL[Gln105Lys]IIRGNMYYEN